The following is an entry in ClinVar:

ClinVar aggregate classification (germline): Uncertain significance. Review status: criteria provided, multiple submitters, no conflicts (2 of 4 stars). 2 submissions from 2 submitters: Uncertain significance (2). Last evaluated 2022-02-05.

Allele frequency attached by ClinVar (database versions not stated): gnomAD 0.00001; gnomAD exomes below 0.00001; ExAC 0.00001; TOPMed 0.00004.
gnomAD v4.1: 5 of 1,613,752 alleles (0.00031%); highest among the groups gnomAD compares: African/African-American, 0.0053%; no homozygotes.

Submissions (2):

Labcorp Genetics (formerly Invitae), Labcorp
Classification: Uncertain significance. Last evaluated: 2022-02-05. Review status: criteria provided, single submitter. Criteria: Invitae Variant Classification Sherloc (09022015). Collection method: clinical testing. Allele origin: germline.
Comment: In summary, the available evidence is currently insufficient to determine the role of this variant in disease. Therefore, it has been classified as a Variant of Uncertain Significance. Algorithms developed to predict the effect of sequence changes on RNA splicing suggest that this variant may create or strengthen a splice site. Algorithms developed to predict the effect of missense changes on protein structure and function (SIFT, PolyPhen-2, Align-GVGD) all suggest that this variant is likely to be tolerated. This variant has not been reported in the literature in individuals affected with NUP62-related conditions. This variant is present in population databases (rs373373358, gnomAD 0.007%). This sequence change replaces alanine, which is neutral and non-polar, with glycine, which is neutral and non-polar, at codon 152 of the NUP62 protein (p.Ala152Gly).

Ambry Genetics
Classification: Uncertain significance. Last evaluated: 2021-09-15. Review status: criteria provided, single submitter. Criteria: Ambry Variant Classification Scheme 2023. Collection method: clinical testing. Allele origin: germline.

NM_016553.5(NUP62):c.455C>G (p.Ala152Gly)

Genes: IL4I1 (interleukin 4 induced 1; minus strand), NUP62 (nucleoporin 62; minus strand). Cytogenetic location: 19q13.33.
Variant type: single nucleotide variant.
Coding change: c.455C>G on transcript NM_016553.5 (MANE Select); coding-DNA position 455, C replaced by G.
Protein change: p.Ala152Gly; replaces alanine 152 with glycine.
Molecular consequence: missense variant. On other transcripts: intron variant (3).
Genome position (GRCh38, 1-based): chr19:49,909,353, G>C on the plus strand (C>G on the coding strand, the complement: NUP62 is on the minus strand). VCF-style: chr19-49909353-G-C. GRCh37 (hg19) VCF-style: chr19-50412610-G-C.
Other names: c.455C>G, p.Ala152Gly (NM_001193357.2, NM_012346.5, NM_153718.4 and 1 more transcripts); c.-227-5032C>G (NM_001258017.2, NM_172374.3); c.-285-5032C>G (NM_001258018.2); short protein forms A152G.
Identifiers: ClinVar variation 1516225 (VCV001516225.9), dbSNP rs373373358, ClinGen allele CA9589134.